The following is an entry in ClinVar:

ClinVar aggregate classification (germline): Uncertain significance (1 of 4 stars; one submission).

Conditions:
Asphyxiating thoracic dystrophy 5 (SRTD5). Also called: SHORT-RIB THORACIC DYSPLASIA 5 WITH OR WITHOUT POLYDACTYLY; SHORT-RIB THORACIC DYSPLASIA 5 WITHOUT POLYDACTYLY. Identifiers: Orphanet 474, MedGen C3280598, MONDO:0013717, OMIM 614376.
Senior-Loken syndrome 8 (SLSN8). Identifiers: Orphanet 3156, MedGen C4225376, MONDO:0014579, OMIM 616307.

Allele frequency attached by ClinVar (database versions not stated): gnomAD exomes below 0.00001; TOPMed 0.00001.
gnomAD v4.1: 2 of 1,605,384 alleles (0.00012%); highest among the groups gnomAD compares: Non-Finnish European, 0.000085%; no homozygotes.

Submission:

Labcorp Genetics (formerly Invitae), Labcorp
Classification: Uncertain significance for Senior-Loken syndrome 8; Asphyxiating thoracic dystrophy 5. Last evaluated: 2021-08-31. Review status: criteria provided, single submitter. Criteria: Invitae Variant Classification Sherloc (09022015). Collection method: clinical testing. Allele origin: germline.
Comment: This sequence change replaces isoleucine with methionine at codon 1278 of the WDR19 protein (p.Ile1278Met). The isoleucine residue is highly conserved and there is a small physicochemical difference between isoleucine and methionine. This variant is not present in population databases (ExAC no frequency). This variant has not been reported in the literature in individuals affected with WDR19-related conditions. Algorithms developed to predict the effect of missense changes on protein structure and function are either unavailable or do not agree on the potential impact of this missense change (SIFT: "Deleterious"; PolyPhen-2: "Probably Damaging"; Align-GVGD: "Class C0"). In summary, the available evidence is currently insufficient to determine the role of this variant in disease. Therefore, it has been classified as a Variant of Uncertain Significance.

NM_025132.4(WDR19):c.3834T>G (p.Ile1278Met)

Gene: WDR19 (WD repeat domain 19; plus strand). Cytogenetic location: 4p14.
Variant type: single nucleotide variant.
Coding change: c.3834T>G on transcript NM_025132.4 (MANE Select); coding-DNA position 3834, T replaced by G.
Protein change: p.Ile1278Met; replaces isoleucine 1278 with methionine.
Molecular consequence: missense variant.
Genome position (GRCh38, 1-based): chr4:39,277,137, T>G. VCF-style: chr4-39277137-T-G. GRCh37 (hg19) VCF-style: chr4-39278757-T-G.
Other names: c.3354T>G, p.Ile1118Met (NM_001317924.2); short protein forms I1118M, I1278M.
Identifiers: ClinVar variation 1498257 (VCV001498257.5), dbSNP rs1735983084, ClinGen allele CA356652500.